The following is an entry in ClinVar:

ClinVar aggregate classification (germline): Uncertain significance (1 of 4 stars; one submission).

Submission:

GeneDx
Classification: Uncertain significance. Last evaluated: 2024-09-16. Review status: criteria provided, single submitter. Criteria: GeneDx Variant Classification Process June 2021. Collection method: clinical testing. Allele origin: germline. Affected: yes.
Comment: In silico analysis indicates that this missense variant does not alter protein structure/function; Has not been previously published as pathogenic or benign to our knowledge

NM_000360.4(TH):c.205G>C (p.Glu69Gln)

Gene: TH (tyrosine hydroxylase; minus strand). Cytogenetic location: 11p15.5.
Variant type: single nucleotide variant.
Coding change: c.205G>C on transcript NM_000360.4 (MANE Select); coding-DNA position 205, G replaced by C.
Protein change: p.Glu69Gln; replaces glutamic acid 69 with glutamine.
Molecular consequence: missense variant.
Genome position (GRCh38, 1-based): chr11:2,169,757, C>G on the plus strand (G>C on the coding strand, the complement: TH is on the minus strand). VCF-style: chr11-2169757-C-G. GRCh37 (hg19) VCF-style: chr11-2190987-C-G.
Other names: c.298G>C, p.Glu100Gln (NM_199292.3); c.286G>C, p.Glu96Gln (NM_199293.3); short protein forms E100Q, E69Q, E96Q.
Identifiers: ClinVar variation 3770033 (VCV003770033.1).